The following is an entry in ClinVar:

NM_003361.4(UMOD):c.889T>A (p.Cys297Ser)

Gene: UMOD (uromodulin; minus strand). Cytogenetic location: 16p12.3.
Variant type: single nucleotide variant.
Coding change: c.889T>A on transcript NM_003361.4 (MANE Select); coding-DNA position 889, T replaced by A.
Protein change: p.Cys297Ser; replaces cysteine 297 with serine.
Molecular consequence: missense variant. On other transcripts: non-coding transcript variant (1).
Genome position (GRCh38, 1-based): chr16:20,348,307, A>T on the plus strand (T>A on the coding strand, the complement: UMOD is on the minus strand). VCF-style: chr16-20348307-A-T. GRCh37 (hg19) VCF-style: chr16-20359629-A-T.
Other names: c.889T>A, p.Cys297Ser (NM_001378235.1, NM_001378237.1, NM_001008389.3 and 3 more transcripts); c.988T>A, p.Cys330Ser (NM_001278614.2); short protein forms C297S, C330S.
Identifiers: ClinVar variation 4277278 (VCV004277278.1).
Genomic context (GRCh38, chr16:20,348,307, plus strand): 5'-ACTGGCAGTGCCATCTGCCATTATTCGATTTGCAGTCCTCGTCTATACTGCACTCCTCAC[A>T]CGTCCCCTCCACGGAGCTGGGGTCTGCAGGGTCACAGGGACAGACAGACAATCAATAAGG-3'
Protein context (NP_003352.2, residues 287-307): CTDPSSVEGT[Cys297Ser]EECSIDEDCK

ClinVar aggregate classification (germline): Likely pathogenic (1 of 4 stars; one submission).

Conditions:
Familial juvenile hyperuricemic nephropathy type 1 (ADTKD1). Also called: Autosomal Dominant Tubulointerstitial Kidney Disease – UMOD; UMOD-Associated Kidney Disease; Uromodulin-associated kidney disease; Glomerulocystic kidney disease with hyperuricemia and isosthenuria; Medullary cystic kidney disease 2. Identifiers: Orphanet 209886, Orphanet 34149, Orphanet 88950, MedGen C4551496, MONDO:0008073, OMIM 162000.

Submission:

MVZ Medizinische Genetik Mainz
Classification: Likely pathogenic for Familial juvenile hyperuricemic nephropathy type 1. Last evaluated: 2025-08-18. Review status: criteria provided, single submitter. Criteria: UK Practice Guidelines For Variant Classification V4 01 2020. Collection method: clinical testing. Allele origin: germline. Inheritance: Autosomal dominant inheritance. Affected: yes. Observed: 1 variant allele.
Comment: ACMG Criteria: PM1,PM5,PM2_SUP,PP3